The following is an entry in ClinVar:

ClinVar aggregate classification (germline): Benign. Review status: criteria provided, multiple submitters, no conflicts (2 of 4 stars). 3 submissions from 3 submitters: Benign (2). 1 of the submissions does not count toward it. Last evaluated 2026-02-03.

Conditions:
DENND5A-related disorder. Also called: DENND5A-related condition.

Allele frequency attached by ClinVar (database versions not stated): gnomAD exomes 0.00126 and 0.00319; ExAC 0.00416; gnomAD 0.01213 and 0.01296; TOPMed 0.01430; ESP Exome Variant Server 0.01570; 1000 Genomes Project 30x 0.01593; 1000 Genomes Project 0.01597.
gnomAD v4.1: 3,787 of 1,612,766 alleles (0.23%); highest among the groups gnomAD compares: African/African-American, 4.2%; 68 homozygotes.

Submissions (22):

Labcorp Genetics (formerly Invitae), Labcorp
Classification: Benign. Last evaluated: 2026-02-03. Review status: criteria provided, single submitter. Criteria: Invitae Variant Classification Sherloc (09022015). Collection method: clinical testing. Allele origin: germline.

Breakthrough Genomics
Classification: Benign. Review status: criteria provided, single submitter. Criteria: ACMG Guidelines, 2015. Collection method: not provided. Allele origin: germline. Inheritance: Autosomal recessive inheritance. Affected: yes.

PreventionGenetics, part of Exact Sciences
Classification: Benign for DENND5A-related condition. Last evaluated: 2019-07-12. Review status: no assertion criteria provided. Collection method: clinical testing. Allele origin: germline. Not counted in ClinVar's aggregate classification.
Comment: This variant is classified as benign based on ACMG/AMP sequence variant interpretation guidelines (Richards et al. 2015 PMID: 25741868, with internal and published modifications).

Dr. Peter K. Rogan Lab, Western University
No classification provided (evidence only). Condition: Clear cell carcinoma of kidney. Review status: no classification provided. Collection method: in vitro. Allele origin: not applicable. Functional consequence: retained intron. Not counted in ClinVar's aggregate classification.

Dr. Peter K. Rogan Lab, Western University
No classification provided (evidence only). Condition: Clear cell carcinoma of kidney. Review status: no classification provided. Collection method: in vitro. Allele origin: not applicable. Functional consequence: retained intron. Not counted in ClinVar's aggregate classification.

Dr. Peter K. Rogan Lab, Western University
No classification provided (evidence only). Condition: Clear cell carcinoma of kidney. Review status: no classification provided. Collection method: in vitro. Allele origin: not applicable. Functional consequence: retained intron. Not counted in ClinVar's aggregate classification.

Dr. Peter K. Rogan Lab, Western University
No classification provided (evidence only). Condition: Clear cell carcinoma of kidney. Review status: no classification provided. Collection method: in vitro. Allele origin: not applicable. Functional consequence: retained intron. Not counted in ClinVar's aggregate classification.

Dr. Peter K. Rogan Lab, Western University
No classification provided (evidence only). Condition: Clear cell carcinoma of kidney. Review status: no classification provided. Collection method: in vitro. Allele origin: not applicable. Functional consequence: retained intron. Not counted in ClinVar's aggregate classification.

Dr. Peter K. Rogan Lab, Western University
No classification provided (evidence only). Condition: Acute myeloid leukemia. Review status: no classification provided. Collection method: in vitro. Allele origin: not applicable. Functional consequence: retained intron. Not counted in ClinVar's aggregate classification.

Dr. Peter K. Rogan Lab, Western University
No classification provided (evidence only). Condition: Acute myeloid leukemia. Review status: no classification provided. Collection method: in vitro. Allele origin: not applicable. Functional consequence: retained intron. Not counted in ClinVar's aggregate classification.

Dr. Peter K. Rogan Lab, Western University
No classification provided (evidence only). Condition: Colorectal cancer. Review status: no classification provided. Collection method: in vitro. Allele origin: not applicable. Functional consequence: retained intron. Not counted in ClinVar's aggregate classification.

Dr. Peter K. Rogan Lab, Western University
No classification provided (evidence only). Condition: Thyroid cancer, nonmedullary, 1. Review status: no classification provided. Collection method: in vitro. Allele origin: not applicable. Functional consequence: retained intron. Not counted in ClinVar's aggregate classification.

Dr. Peter K. Rogan Lab, Western University
No classification provided (evidence only). Condition: Uterine corpus endometrial carcinoma. Review status: no classification provided. Collection method: in vitro. Allele origin: not applicable. Functional consequence: retained intron. Not counted in ClinVar's aggregate classification.

Dr. Peter K. Rogan Lab, Western University
No classification provided (evidence only). Condition: Uterine corpus endometrial carcinoma. Review status: no classification provided. Collection method: in vitro. Allele origin: not applicable. Functional consequence: retained intron. Not counted in ClinVar's aggregate classification.

Dr. Peter K. Rogan Lab, Western University
No classification provided (evidence only). Condition: Uterine corpus endometrial carcinoma. Review status: no classification provided. Collection method: in vitro. Allele origin: not applicable. Functional consequence: retained intron. Not counted in ClinVar's aggregate classification.

Dr. Peter K. Rogan Lab, Western University
No classification provided (evidence only). Condition: Cervical cancer. Review status: no classification provided. Collection method: in vitro. Allele origin: not applicable. Functional consequence: retained intron. Not counted in ClinVar's aggregate classification.

Dr. Peter K. Rogan Lab, Western University
No classification provided (evidence only). Condition: Sarcoma. Review status: no classification provided. Collection method: in vitro. Allele origin: not applicable. Functional consequence: retained intron. Not counted in ClinVar's aggregate classification.

Dr. Peter K. Rogan Lab, Western University
No classification provided (evidence only). Condition: Sarcoma. Review status: no classification provided. Collection method: in vitro. Allele origin: not applicable. Functional consequence: retained intron. Not counted in ClinVar's aggregate classification.

Dr. Peter K. Rogan Lab, Western University
No classification provided (evidence only). Condition: Hepatocellular carcinoma. Review status: no classification provided. Collection method: in vitro. Allele origin: not applicable. Functional consequence: retained intron. Not counted in ClinVar's aggregate classification.

Dr. Peter K. Rogan Lab, Western University
No classification provided (evidence only). Condition: Gastric cancer. Review status: no classification provided. Collection method: in vitro. Allele origin: not applicable. Functional consequence: retained intron. Not counted in ClinVar's aggregate classification.

Dr. Peter K. Rogan Lab, Western University
No classification provided (evidence only). Condition: Gastric cancer. Review status: no classification provided. Collection method: in vitro. Allele origin: not applicable. Functional consequence: retained intron. Not counted in ClinVar's aggregate classification.

Dr. Peter K. Rogan Lab, Western University
No classification provided (evidence only). Condition: Malignant tumor of esophagus. Review status: no classification provided. Collection method: in vitro. Allele origin: not applicable. Functional consequence: retained intron. Not counted in ClinVar's aggregate classification.

NM_015213.4(DENND5A):c.1458G>A (p.Leu486=)

Gene: DENND5A (DENN domain containing 5A; minus strand). Cytogenetic location: 11p15.4.
Variant type: single nucleotide variant.
Coding change: c.1458G>A on transcript NM_015213.4 (MANE Select); coding-DNA position 1458, G replaced by A.
Protein change: p.Leu486=; no amino-acid change (leucine 486 retained).
Molecular consequence: synonymous variant. On other transcripts: non-coding transcript variant (1).
Genome position (GRCh38, 1-based): chr11:9,179,071, C>T on the plus strand (G>A on the coding strand, the complement: DENND5A is on the minus strand). VCF-style: chr11-9179071-C-T. GRCh37 (hg19) VCF-style: chr11-9200618-C-T.
Other names: c.1458G>A, p.Leu486= (NM_001243254.2); c.1386G>A, p.Leu462= (NM_001348749.2); c.1170G>A, p.Leu390= (NM_001348750.2).
Identifiers: ClinVar variation 780949 (VCV000780949.14), dbSNP rs77123250, ClinGen allele CA5877583.